The following is an entry in ClinVar:

NR_027350.2(MIR17HG):n.969C>G

Gene: MIR17HG (miR-17-92a-1 cluster host gene; plus strand). Cytogenetic location: 13q31.3.
Variant type: single nucleotide variant.
Genome position: GRCh38 VCF-style: chr13-91350393-C-G. GRCh37 (hg19) VCF-style: chr13-92002647-C-G.
Identifiers: ClinVar variation 3033536 (VCV003033536.2), dbSNP rs140053713, ClinGen allele CA254717523.
Genomic context (GRCh38, chr13:91,350,393, plus strand): 5'-AGGCCAGCCATTGGAAGAGCCACCACTTCCAGTGCTAGTTGGATGGTTGGTTATGATTGC[C>G]TTCTGTAAAGAATTCTTAAGGCATAAATACGTGTCTAAATGGACCTCATATCTTTGAGAT-3'

ClinVar aggregate classification (germline): Benign (0 of 4 stars; one submission).

Conditions:
MIR17HG-related disorder. Also called: MIR17HG-related condition.

Allele frequency attached by ClinVar (database versions not stated): gnomAD exomes 0.00060; 1000 Genomes Project 30x 0.00500; 1000 Genomes Project 0.00519; gnomAD 0.00528; TOPMed 0.00624.
gnomAD v4.1: 906 of 331,596 alleles (0.27%); highest among the groups gnomAD compares: African/African-American, 1.8%; 8 homozygotes.

Submission:

PreventionGenetics, part of Exact Sciences
Classification: Benign for MIR17HG-related condition. Last evaluated: 2019-12-26. Review status: no assertion criteria provided. Collection method: clinical testing. Allele origin: germline.
Comment: This variant is classified as benign based on ACMG/AMP sequence variant interpretation guidelines (Richards et al. 2015 PMID: 25741868, with internal and published modifications).